The following is an entry in ClinVar:

ClinVar aggregate classification (germline): Uncertain significance. Review status: criteria provided, multiple submitters, no conflicts (2 of 4 stars). 2 submissions from 2 submitters: Uncertain significance (2). Last evaluated 2026-03-23.

Conditions:
Dilated cardiomyopathy 1G (CMD1G). Identifiers: Orphanet 154, MedGen C1858763, MONDO:0011400, OMIM 604145.
Autosomal recessive limb-girdle muscular dystrophy type 2J (LGMDR10). Also called: Limb-girdle muscular dystrophy, type 2J; MUSCULAR DYSTROPHY, LIMB-GIRDLE, AUTOSOMAL RECESSIVE 10. Identifiers: Orphanet 140922, MedGen C1837342, MONDO:0012127, OMIM 608807.

Submissions (2):

GeneDx
Classification: Uncertain significance. Last evaluated: 2026-03-23. Review status: criteria provided, single submitter. Criteria: GeneDx Variant Classification Process June 2021. Collection method: clinical testing. Allele origin: germline.
Comment: Not observed at significant frequency in large population cohorts (gnomAD); Missense variant in a gene in which most reported pathogenic variants are truncating/loss of function; Has not been previously published as pathogenic or benign to our knowledge

Labcorp Genetics (formerly Invitae), Labcorp
Classification: Uncertain significance for Dilated cardiomyopathy 1G; Autosomal recessive limb-girdle muscular dystrophy type 2J. Last evaluated: 2020-12-14. Review status: criteria provided, single submitter. Criteria: Invitae Variant Classification Sherloc (09022015). Collection method: clinical testing. Allele origin: germline.
Comment: Experimental studies and prediction algorithms are not available or were not evaluated, and the functional significance of this variant is currently unknown. In summary, the available evidence is currently insufficient to determine the role of this variant in disease. Therefore, it has been classified as a Variant of Uncertain Significance. This variant is located in the M band of TTN (PMID: 25589632). Variants in this region may be relevant for neuromuscular disorders, but have not been definitively shown to cause cardiomyopathy (PMID: 23975875). This sequence change replaces proline with threonine at codon 35049 of the TTN protein (p.Pro35049Thr). There is a small physicochemical difference between proline and threonine. This variant is not present in population databases (ExAC no frequency). This variant has not been reported in the literature in individuals with TTN-related conditions.

Literature cited by the submitters: PubMed 25589632 (cited by Labcorp Genetics (formerly Invitae), Labcorp); PubMed 23975875 (cited by Labcorp Genetics (formerly Invitae), Labcorp).

NM_001267550.2(TTN):c.105145C>A (p.Pro35049Thr)

Genes: TTN (titin; minus strand), TTN-AS1 (TTN antisense RNA 1; plus strand), LOC129935185 (ATAC-STARR-seq lymphoblastoid active region 16810; plus strand). Cytogenetic location: 2q31.2.
Variant type: single nucleotide variant.
Coding change: c.105145C>A on transcript NM_001267550.2 (MANE Select); coding-DNA position 105145, C replaced by A.
Protein change: p.Pro35049Thr; replaces proline 35049 with threonine.
Molecular consequence: missense variant.
Genome position (GRCh38, 1-based): chr2:178,531,470, G>T on the plus strand (C>A on the coding strand, the complement: TTN is on the minus strand). VCF-style: chr2-178531470-G-T. GRCh37 (hg19) VCF-style: chr2-179396197-G-T.
Other names: c.100222C>A, p.Pro33408Thr (NM_001256850.1); c.77950C>A, p.Pro25984Thr (NM_003319.4); c.97441C>A, p.Pro32481Thr (NM_133378.4); c.78325C>A, p.Pro26109Thr (NM_133432.3); c.78526C>A, p.Pro26176Thr (NM_133437.4); c.105145C>A (NM_001267550.1); short protein forms P26109T, P26176T, P35049T, P32481T, P25984T, P33408T.
Identifiers: ClinVar variation 1356427 (VCV001356427.7), dbSNP rs2154133549, ClinGen allele CA349409394.